The following is an entry in ClinVar:

NM_001101426.4(CRPPA):c.*2181A>G

Gene: CRPPA (CDP-L-ribitol pyrophosphorylase A; minus strand). Cytogenetic location: 7p21.2.
Variant type: single nucleotide variant.
Coding change: c.*2181A>G on transcript NM_001101426.4 (MANE Select); 2181 bases downstream of the stop codon, A replaced by G.
Molecular consequence: 3 prime UTR variant. On other transcripts: non-coding transcript variant (1).
Genome position (GRCh38, 1-based): chr7:16,089,514, T>C on the plus strand (A>G on the coding strand, the complement: CRPPA is on the minus strand). VCF-style: chr7-16089514-T-C. GRCh37 (hg19) VCF-style: chr7-16129139-T-C.
Other names: c.*2181A>G (NM_001101417.4, NM_001368197.1).
Identifiers: ClinVar variation 359544 (VCV000359544.5), dbSNP rs183114712, ClinGen allele CA4169296.

ClinVar aggregate classification (germline): Benign (1 of 4 stars; one submission).

Conditions:
Congenital Muscular Dystrophy, alpha-dystroglycan related.

Allele frequency attached by ClinVar (database versions not stated): gnomAD exomes 0.00463 and 0.00885; gnomAD 0.00889 and 0.00916; 1000 Genomes Project 30x 0.01031; ExAC 0.01887.
gnomAD v4.1: 2,213 of 252,082 alleles (0.88%); highest among the groups gnomAD compares: Non-Finnish European, 1.1%; 9 homozygotes.

Submission:

Illumina Laboratory Services, Illumina
Classification: Benign for Congenital Muscular Dystrophy, alpha-dystroglycan related. Last evaluated: 2018-01-13. Review status: criteria provided, single submitter. Criteria: ICSL Variant Classification Criteria 13 December 2019. Collection method: clinical testing. Allele origin: germline.
Comment: This variant was observed in the ICSL laboratory as part of a predisposition screen in an ostensibly healthy population. It had not been previously curated by ICSL or reported in the Human Gene Mutation Database (HGMD: prior to June 1st, 2018), and was therefore a candidate for classification through an automated scoring system. Utilizing variant allele frequency, disease prevalence and penetrance estimates, and inheritance mode, an automated score was calculated to assess if this variant is too frequent to cause the disease. Based on the score and internal cut-off values, a variant classified as benign is not then subjected to further curation. The score for this variant resulted in a classification of benign for this disease.